The following is an entry in ClinVar:

NM_001040142.2(SCN2A):c.4232G>A (p.Gly1411Glu)

Gene: SCN2A (sodium voltage-gated channel alpha subunit 2; plus strand). Cytogenetic location: 2q24.3.
Variant type: single nucleotide variant.
Coding change: c.4232G>A on transcript NM_001040142.2 (MANE Select); coding-DNA position 4232, G replaced by A.
Protein change: p.Gly1411Glu; replaces glycine 1411 with glutamic acid.
Molecular consequence: missense variant.
Genome position (GRCh38, 1-based): chr2:165,374,944, G>A. VCF-style: chr2-165374944-G-A. GRCh37 (hg19) VCF-style: chr2-166231454-G-A.
Other names: c.4232G>A, p.Gly1411Glu (NM_001040143.2, NM_001371246.1, NM_001371247.1 and 1 more transcripts); short protein forms G1411E.
Identifiers: ClinVar variation 1035019 (VCV001035019.9), dbSNP rs1701232096, ClinGen allele CA349031705.

ClinVar aggregate classification (germline): Uncertain significance (1 of 4 stars; one submission).

Conditions:
Developmental and epileptic encephalopathy, 11 (DEE11). Also called: Early infantile epileptic encephalopathy 11. Identifiers: Orphanet 1934, MedGen C3150987, MONDO:0013388, OMIM 613721.
Seizures, benign familial infantile, 3 (BFIS3). Also called: CONVULSIONS, BENIGN FAMILIAL INFANTILE, 3; Familial neonatal seizures. Identifiers: Orphanet 140927, Orphanet 306, MedGen C1843140, MONDO:0011904, OMIM 607745.

Submission:

Labcorp Genetics (formerly Invitae), Labcorp
Classification: Uncertain significance for Seizures, benign familial infantile, 3; Developmental and epileptic encephalopathy, 11. Last evaluated: 2024-10-23. Review status: criteria provided, single submitter. Criteria: Invitae Variant Classification Sherloc (09022015). Collection method: clinical testing. Allele origin: germline.
Comment: This sequence change replaces glycine, which is neutral and non-polar, with glutamic acid, which is acidic and polar, at codon 1411 of the SCN2A protein (p.Gly1411Glu). This variant is not present in population databases (gnomAD no frequency). This variant has not been reported in the literature in individuals affected with SCN2A-related conditions. ClinVar contains an entry for this variant (Variation ID: 1035019). Invitae Evidence Modeling of protein sequence and biophysical properties (such as structural, functional, and spatial information, amino acid conservation, physicochemical variation, residue mobility, and thermodynamic stability) indicates that this missense variant is expected to disrupt SCN2A protein function with a positive predictive value of 95%. In summary, the available evidence is currently insufficient to determine the role of this variant in disease. Therefore, it has been classified as a Variant of Uncertain Significance.